The following is an entry in ClinVar:

NM_033380.3(COL4A5):c.1948+5G>A

Gene: COL4A5 (collagen type IV alpha 5 chain; plus strand). Cytogenetic location: Xq22.3.
Variant type: single nucleotide variant.
Coding change: c.1948+5G>A on transcript NM_033380.3 (MANE Select); 5 bases into the intron after coding-DNA position 1948, G replaced by A.
Molecular consequence: intron variant.
Genome position (GRCh38, 1-based): chrX:108,598,875, G>A. VCF-style: chrX-108598875-G-A. GRCh37 (hg19) VCF-style: chrX-107842105-G-A.
Other names: c.1948+5G>A (NM_000495.5).
Identifiers: ClinVar variation 2844562 (VCV002844562.3), dbSNP rs2524315536, ClinGen allele CA2739273706.
Genomic context (GRCh38, chrX:108,598,875, plus strand): 5'-AGGTGAAAAAGGCATACAAGGTGTGGCAGGAAATCCAGGCCAGCCAGGAATACCAGGTAA[G>A]TTTACTGTGTTTTGTTTTAAACTTGGTGCTTAAAAACAGAAATTTATTATGTTTTGGCTA-3'

ClinVar aggregate classification (germline): Uncertain significance (1 of 4 stars; one submission).

Submission:

Labcorp Genetics (formerly Invitae), Labcorp
Classification: Uncertain significance. Last evaluated: 2023-09-04. Review status: criteria provided, single submitter. Criteria: Invitae Variant Classification Sherloc (09022015). Collection method: clinical testing. Allele origin: germline.
Comment: This variant has not been reported in the literature in individuals affected with COL4A5-related conditions. This variant is not present in population databases (gnomAD no frequency). This sequence change falls in intron 25 of the COL4A5 gene. It does not directly change the encoded amino acid sequence of the COL4A5 protein. It affects a nucleotide within the consensus splice site. Variants that disrupt the consensus splice site are a relatively common cause of aberrant splicing (PMID: 17576681, 9536098). Algorithms developed to predict the effect of sequence changes on RNA splicing suggest that this variant is not likely to affect RNA splicing. In summary, the available evidence is currently insufficient to determine the role of this variant in disease. Therefore, it has been classified as a Variant of Uncertain Significance.

Literature cited by the submitters: PubMed 17576681; PubMed 9536098.